The following is an entry in ClinVar:

ClinVar aggregate classification (germline): Pathogenic/Likely pathogenic. Review status: criteria provided, multiple submitters, no conflicts (2 of 4 stars). 3 submissions from 3 submitters: Pathogenic (2); Likely pathogenic (1). Last evaluated 2022-06-23.

Conditions:
Hermansky-Pudlak syndrome 1 (HPS1). Also called: DELTA STORAGE POOL DISEASE. Identifiers: Orphanet 231500, Orphanet 79430, MedGen C2931875, MONDO:0008748, OMIM 203300.

Submissions (3):

Labcorp Genetics (formerly Invitae), Labcorp
Classification: Pathogenic. Last evaluated: 2022-06-23. Review status: criteria provided, single submitter. Criteria: Invitae Variant Classification Sherloc (09022015). Collection method: clinical testing. Allele origin: germline.
Comment: This sequence change creates a premature translational stop signal (p.Ile481Aspfs*94) in the HPS1 gene. It is expected to result in an absent or disrupted protein product. Loss-of-function variants in HPS1 are known to be pathogenic (PMID: 12442288, 16185271). For these reasons, this variant has been classified as Pathogenic. ClinVar contains an entry for this variant (Variation ID: 1338329). This variant has not been reported in the literature in individuals affected with HPS1-related conditions. This variant is present in population databases (rs758028806, gnomAD 0.006%).

Fulgent Genetics
Classification: Likely pathogenic for Hermansky-Pudlak syndrome 1. Last evaluated: 2022-04-02. Review status: criteria provided, single submitter. Criteria: ACMG Guidelines, 2015. Collection method: clinical testing. Allele origin: unknown.

Genetic Services Laboratory, University of Chicago
Classification: Pathogenic. Last evaluated: 2017-11-10. Review status: criteria provided, single submitter. Criteria: ACMG Guidelines, 2015. Collection method: clinical testing. Allele origin: germline. Affected: yes.

Literature cited by the submitters: PubMed 12442288 (cited by Labcorp Genetics (formerly Invitae), Labcorp); PubMed 16185271 (cited by Labcorp Genetics (formerly Invitae), Labcorp).

NM_000195.5(HPS1):c.1440_1459del (p.Ile481fs)

Gene: HPS1 (HPS1 biogenesis of lysosomal organelles complex 3 subunit 1; minus strand). Cytogenetic location: 10q24.2.
Variant type: Deletion.
Coding change: c.1440_1459del on transcript NM_000195.5 (MANE Select); coding-DNA positions 1440 to 1459, 20 bases deleted (CATCTACCGGCTGAACTTTC).
Protein change: p.Ile481fs; shifts the reading frame from isoleucine 481.
Molecular consequence: frameshift variant.
Genome position (GRCh38, 1-based): chr10:98,423,826-98,423,845, GAAAGTTCAGCCGGTAGATG deleted on the plus strand (CATCTACCGGCTGAACTTTC on the coding strand, the reverse complement: HPS1 is on the minus strand); deleting any 20 consecutive bases within chr10:98,423,826-98,423,846 gives the same sequence; the c. name uses the placement nearest the transcript's 3' end. VCF-style (leftmost placement, unchanged base first): chr10-98423825-AGAAAGTTCAGCCGGTAGATG-A. GRCh37 (hg19) VCF-style: chr10-100183582-AGAAAGTTCAGCCGGTAGATG-A.
Other names: c.468_487del, p.Ile157fs (NM_001322487.2, NM_001322489.2, NM_001311345.2); c.1440_1459del, p.Ile481fs (NM_001322476.2, NM_001322477.2); c.1341_1360del, p.Ile448fs (NM_001322478.2, NM_001322479.2); c.1179_1198del, p.Ile394fs (NM_001322480.2, NM_001322481.2); c.1080_1099del, p.Ile361fs (NM_001322482.2); c.1071_1090del, p.Ile358fs (NM_001322483.2, NM_001322484.2); c.972_991del, p.Ile325fs (NM_001322485.2); short protein forms I157fs, I325fs, I358fs, I361fs, I394fs, I448fs, I481fs.
Identifiers: ClinVar variation 1338329 (VCV001338329.10), dbSNP rs758028806, ClinGen allele CA5639016.
Genomic context (GRCh38, chr10:98,423,825, plus strand): 5'-TGCACTTGGTCCTGCAGGTGCTGGGGCAGGTGTGGGCCTCCCCTGCTGGGGGCTGTGGTC[AGAAAGTTCAGCCGGTAGATG>A]GCGCAGAGCTGCCGCTTCAGCTTCCCACATGCCTGGAGCAGCCTGAGCACGAGAGAGGAG-3'